The following is an entry in ClinVar:

ClinVar aggregate classification (germline): Uncertain significance (1 of 4 stars; one submission).

Conditions:
de Barsy syndrome. Also called: Cutis laxa-corneal clouding-oligophrenia syndrome. Identifiers: Orphanet 2962, MedGen C0268354, MONDO:0017569.
Hereditary spastic paraplegia 9A. Also called: SPASTIC PARAPARESIS WITH AMYOTROPHY, CATARACTS, AND GASTROESOPHAGEAL REFLUX; SPASTIC PARAPLEGIA 9A, AUTOSOMAL DOMINANT; CATARACTS WITH MOTOR NEURONOPATHY, SHORT STATURE, AND SKELETAL ABNORMALITIES. Identifiers: Orphanet 100990, Orphanet 447753, MedGen C5568978, MONDO:0011006, OMIM 601162.
Cutis laxa, autosomal dominant 3 (ADCL3). Identifiers: Orphanet 90348, MedGen C4225268, MONDO:0014706, OMIM 616603.

Submission:

Labcorp Genetics (formerly Invitae), Labcorp
Classification: Uncertain significance for Hereditary spastic paraplegia 9A; de Barsy syndrome; Cutis laxa, autosomal dominant 3. Last evaluated: 2019-10-21. Review status: criteria provided, single submitter. Criteria: Invitae Variant Classification Sherloc (09022015). Collection method: clinical testing. Allele origin: germline.
Comment: This sequence change replaces valine with phenylalanine at codon 325 of the ALDH18A1 protein (p.Val325Phe). The valine residue is highly conserved and there is a small physicochemical difference between valine and phenylalanine. This variant is not present in population databases (ExAC no frequency). This variant has not been reported in the literature in individuals with ALDH18A1-related conditions. Algorithms developed to predict the effect of missense changes on protein structure and function are either unavailable or do not agree on the potential impact of this missense change (SIFT: "Deleterious"; PolyPhen-2: "Probably Damaging"; Align-GVGD: "Class C0"). In summary, the available evidence is currently insufficient to determine the role of this variant in disease. Therefore, it has been classified as a Variant of Uncertain Significance.

NM_002860.4(ALDH18A1):c.973G>T (p.Val325Phe)

Gene: ALDH18A1 (aldehyde dehydrogenase 18 family member A1; minus strand). Cytogenetic location: 10q24.1.
Variant type: single nucleotide variant.
Coding change: c.973G>T on transcript NM_002860.4 (MANE Select); coding-DNA position 973, G replaced by T.
Protein change: p.Val325Phe; replaces valine 325 with phenylalanine.
Molecular consequence: missense variant.
Genome position (GRCh38, 1-based): chr10:95,627,547, C>A on the plus strand (G>T on the coding strand, the complement: ALDH18A1 is on the minus strand). VCF-style: chr10-95627547-C-A. GRCh37 (hg19) VCF-style: chr10-97387304-C-A.
Other names: c.967G>T, p.Val323Phe (NM_001017423.2, NM_001323415.2); c.640G>T, p.Val214Phe (NM_001323412.2, NM_001323416.2); c.973G>T, p.Val325Phe (NM_001323413.2, NM_001323414.2); c.868G>T, p.Val290Phe (NM_001323417.2); c.634G>T, p.Val212Phe (NM_001323418.2); c.337G>T, p.Val113Phe (NM_001323419.2); short protein forms V113F, V214F, V323F, V325F, V290F, V212F.
Identifiers: ClinVar variation 956990 (VCV000956990.1), dbSNP rs192770256, ClinGen allele CA377703675.